The following is an entry in ClinVar:

NM_022835.3(PLEKHG2):c.504C>G (p.Asn168Lys)

Gene: PLEKHG2 (pleckstrin homology and RhoGEF domain containing G2; plus strand). Cytogenetic location: 19q13.2.
Variant type: single nucleotide variant.
Coding change: c.504C>G on transcript NM_022835.3 (MANE Select); coding-DNA position 504, C replaced by G.
Protein change: p.Asn168Lys; replaces asparagine 168 with lysine.
Molecular consequence: missense variant.
Genome position (GRCh38, 1-based): chr19:39,416,372, C>G. VCF-style: chr19-39416372-C-G. GRCh37 (hg19) VCF-style: chr19-39907012-C-G.
Other names: c.327C>G, p.Asn109Lys (NM_001351693.2); c.504C>G, p.Asn168Lys (NM_001351694.2); short protein forms N109K, N168K.
Identifiers: ClinVar variation 3027072 (VCV003027072.22), dbSNP rs562119329, ClinGen allele CA9429110.

ClinVar aggregate classification (germline): Uncertain significance (1 of 4 stars; one submission).

gnomAD v4.1: 5 of 1,613,164 alleles (0.00031%); highest among the groups gnomAD compares: Non-Finnish European, 0.00042%; no homozygotes.

Submission:

CeGaT Center for Human Genetics Tuebingen
Classification: Uncertain significance. Last evaluated: 2024-01-01. Review status: criteria provided, single submitter. Criteria: CeGaT Center For Human Genetics Tuebingen Variant Classification Criteria Version 2. Collection method: clinical testing. Allele origin: germline. Affected: yes. Observed: 1 variant allele.
Comment: PLEKHG2: PM2, BP4